The following is an entry in ClinVar:

ClinVar aggregate classification (germline): Benign (1 of 4 stars; one submission).

Submission:

GeneDx
Classification: Benign. Last evaluated: 2018-06-18. Review status: criteria provided, single submitter. Criteria: GeneDx Variant Classification (06012015). Collection method: clinical testing. Allele origin: germline. Affected: yes.
Comment: This variant is considered likely benign or benign based on one or more of the following criteria: it is a conservative change, it occurs at a poorly conserved position in the protein, it is predicted to be benign by multiple in silico algorithms, and/or has population frequency not consistent with disease.

NM_006912.6(RIT1):c.-43-166dup

Gene: RIT1 (Ras like without CAAX 1; minus strand). Cytogenetic location: 1q22.
Variant type: Duplication.
Coding change: c.-43-166dup on transcript NM_006912.6 (MANE Select); 166 bases into the intron before 43 bases upstream of the start codon, one base duplicated (G; older notation c.-43-166dupG).
Molecular consequence: intron variant.
Genome position (GRCh38, 1-based): chr1:155,910,964, C duplicated on the plus strand (G on the coding strand, the reverse complement: RIT1 is on the minus strand); the first of 7 consecutive C bases (chr1:155,910,964-155,910,970); duplicating any one gives the same sequence. VCF-style (leftmost placement, unchanged base first): chr1-155910963-A-AC. GRCh37 (hg19) VCF-style: chr1-155880754-A-AC.
Other names: c.-43-166dup (LRG_1372t1); c.-3+273dup (NM_001256820.2).
Identifiers: ClinVar variation 561454 (VCV000561454.1), dbSNP rs11387126, ClinGen allele CA30951105.